The following is an entry in ClinVar:

NM_198904.4(GABRG2):c.830T>C (p.Ile277Thr)

Gene: GABRG2 (gamma-aminobutyric acid type A receptor subunit gamma2; plus strand). Cytogenetic location: 5q34.
Variant type: single nucleotide variant.
Coding change: c.830T>C on transcript NM_198904.4 (MANE Select); coding-DNA position 830, T replaced by C.
Protein change: p.Ile277Thr; replaces isoleucine 277 with threonine.
Molecular consequence: missense variant.
Genome position (GRCh38, 1-based): chr5:162,142,224, T>C. VCF-style: chr5-162142224-T-C. GRCh37 (hg19) VCF-style: chr5-161569230-T-C.
Other names: c.830T>C, p.Ile277Thr (NM_000816.3, NM_001375340.1); c.821T>C, p.Ile274Thr (NM_001375339.1); c.827T>C, p.Ile276Thr (NM_001375341.1, NM_001375342.1); c.950T>C, p.Ile317Thr (NM_001375343.1, NM_198903.2); c.869T>C, p.Ile290Thr (NM_001375344.1); c.764T>C, p.Ile255Thr (NM_001375345.1, NM_001375346.1); c.743T>C, p.Ile248Thr (NM_001375347.1); c.410T>C, p.Ile137Thr (NM_001375348.1, NM_001375350.1); and 1 more; short protein forms I137T, I182T, I248T, I255T, I274T, I276T, I277T, I290T.
Identifiers: ClinVar variation 3775622 (VCV003775622.1).
Genomic context (GRCh38, chr5:162,142,224, plus strand): 5'-GAGATTATGTGGTCATGTCTGTCTACTTTGATCTGAGCAGAAGAATGGGATACTTTACCA[T>C]CCAGACCTATATCCCCTGCACACTCATTGTCGTCCTATCCTGGGTGTCTTTCTGGATCAA-3'
Protein context (NP_944494.1, residues 267-287): DLSRRMGYFT[Ile277Thr]QTYIPCTLIV

ClinVar aggregate classification (germline): Uncertain significance (1 of 4 stars; one submission).

Conditions:
Febrile seizures, familial, 8 (FEB8). Also called: CONVULSIONS, FAMILIAL FEBRILE, 8. Identifiers: Orphanet 36387, MedGen C1969810, MONDO:0011891, OMIM 607681.

Submission:

3billion
Classification: Uncertain significance for Febrile seizures, familial, 8. Last evaluated: 2023-11-13. Review status: criteria provided, single submitter. Criteria: ACMG Guidelines, 2015. Collection method: clinical testing. Allele origin: germline. Affected: yes.
Comment: The variant is not observed in the gnomAD v2.1.1 dataset. Predicted Consequence/Location: Missense variant In silico tool predictions suggest damaging effect of the variant on gene or gene product [REVEL: 0.95 (>=0.6, sensitivity 0.68 and specificity 0.92); 3Cnet: 0.93 (>=0.6, sensitivity 0.72 and precision 0.9)]. Therefore, this variant is classified as VUS according to the recommendation of ACMG/AMP guideline.